The following is an entry in ClinVar:

NM_001256317.3(TMPRSS3):c.753G>A (p.Trp251Ter)

Gene: TMPRSS3 (transmembrane serine protease 3; minus strand). Cytogenetic location: 21q22.3.
Variant type: single nucleotide variant.
Coding change: c.753G>A on transcript NM_001256317.3 (MANE Select); coding-DNA position 753, G replaced by A.
Protein change: p.Trp251Ter; replaces tryptophan 251 with a stop codon.
Molecular consequence: nonsense.
Genome position (GRCh38, 1-based): chr21:42,383,062, C>T on the plus strand (G>A on the coding strand, the complement: TMPRSS3 is on the minus strand). VCF-style: chr21-42383062-C-T. GRCh37 (hg19) VCF-style: chr21-43803171-C-T.
Other names: c.753G>A, p.Trp251Ter (NM_024022.4, NM_032405.2); c.372G>A, p.Trp124Ter (NM_032404.3); short protein forms W124*, W251*.
Identifiers: ClinVar variation 4849686 (VCV004849686.1).

ClinVar aggregate classification (germline): Likely pathogenic (1 of 4 stars; one submission).

Conditions:
Autosomal recessive nonsyndromic hearing loss 8 (DFNB8). Also called: NEUROSENSORY NONSYNDROMIC RECESSIVE DEAFNESS 8; Deafness, autosomal recessive 10. Identifiers: Orphanet 90636, MedGen C1832827, MONDO:0010987, OMIM 601072.

Submission:

Diagnostics Services (NGS), CSIR - Centre For Cellular And Molecular Biology
Classification: Likely pathogenic for Autosomal recessive nonsyndromic hearing loss 8. Last evaluated: 2026-02-03. Review status: criteria provided, single submitter. Criteria: ACMG Guidelines, 2015. Collection method: clinical testing. Allele origin: germline. Affected: yes. Observed: 1 variant allele, 1 homozygote.
Comment: The c.753G>A variant is not present in publicly available population databases like 1000 Genomes, EVS, gnomAD, Indian Exome Database or our internal database. This variant has not been published in the literature for TMPRSS3-related conditions nor reported to clinical databases like Human Genome Mutation Database (HGMD), ClinVar or OMIM in any affected individuals. In-silico pathogenicity prediction programs like MutationTaster2021, CADD, Franklin, Varsome, InterVar, etc. predicted this variant to be likely deleterious. This variant creates a premature translational stop signal at the 251st amino acid position of the wild-type transcript that may either result in translation of a truncated protein or cause nonsense-mediated decay of the mRNA.